The following is an entry in ClinVar:

NM_001039141.3(TRIOBP):c.6792G>A (p.Ser2264=)

Gene: TRIOBP (TRIO and F-actin binding protein; plus strand). Cytogenetic location: 22q13.1.
Variant type: single nucleotide variant.
Coding change: c.6792G>A on transcript NM_001039141.3 (MANE Select); coding-DNA position 6792, G replaced by A.
Protein change: p.Ser2264=; no amino-acid change (serine 2264 retained).
Molecular consequence: synonymous variant.
Genome position (GRCh38, 1-based): chr22:37,769,318, G>A. VCF-style: chr22-37769318-G-A. GRCh37 (hg19) VCF-style: chr22-38165325-G-A.
Other names: c.1653G>A, p.Ser551= (NM_007032.5).
Identifiers: ClinVar variation 666770 (VCV000666770.43), dbSNP rs371118329, ClinGen allele CA10225195.

ClinVar aggregate classification (germline): Likely benign. Review status: criteria provided, multiple submitters, no conflicts (2 of 4 stars). 5 submissions from 5 submitters: Likely benign (5). Last evaluated 2025-04-17.

Allele frequency attached by ClinVar (database versions not stated): ESP Exome Variant Server 0.00016; gnomAD 0.00026 and 0.00027; TOPMed 0.00028; gnomAD exomes 0.00029 and 0.00035; 1000 Genomes Project 30x 0.00031; 1000 Genomes Project 0.00040; ExAC 0.00040.
gnomAD v4.1: 556 of 1,611,732 alleles (0.034%); highest among the groups gnomAD compares: South Asian, 0.072%; 1 homozygote.

Submissions (5):

Labcorp Genetics (formerly Invitae), Labcorp
Classification: Likely benign. Last evaluated: 2025-04-17. Review status: criteria provided, single submitter. Criteria: Invitae Variant Classification Sherloc (09022015). Collection method: clinical testing. Allele origin: germline.

Blueprint Genetics
Classification: Likely benign. Last evaluated: 2024-10-25. Review status: criteria provided, single submitter. Criteria: ACMG Guidelines, 2015. Collection method: clinical testing. Allele origin: germline.

CeGaT Center for Human Genetics Tuebingen
Classification: Likely benign. Last evaluated: 2023-02-01. Review status: criteria provided, single submitter. Criteria: CeGaT Center For Human Genetics Tuebingen Variant Classification Criteria Version 2. Collection method: clinical testing. Allele origin: germline. Affected: yes. Observed: 1 variant allele.
Comment: TRIOBP: BP4, BP7

GeneDx
Classification: Likely benign. Last evaluated: 2021-04-16. Review status: criteria provided, single submitter. Criteria: GeneDx Variant Classification Process June 2021. Collection method: clinical testing. Allele origin: germline. Affected: yes.

Laboratory for Molecular Medicine, Mass General Brigham Personalized Medicine
Classification: Likely benign. Last evaluated: 2012-04-30. Review status: criteria provided, single submitter. Criteria: LMM Criteria. Collection method: clinical testing. Allele origin: germline. Observed: 1 variant allele.
Comment: Ser2264Ser in Exon 21 of TRIOBP: This variant is not expected to have clinical s ignificance because it does not alter an amino acid residue, is not located with in the splice consensus sequence, and has been identified in 1/3292 African Amer ican chromosomes from a broad population by the NHLBI Exome Sequencing Project.